The following is an entry in ClinVar:

ClinVar aggregate classification (germline): Uncertain significance (1 of 4 stars; one submission).

Conditions:
Cardiovascular phenotype. Identifiers: MedGen CN230736.

gnomAD v4.1: 3 of 1,606,048 alleles (0.00019%); highest among the groups gnomAD compares: Middle Eastern, 0.033%; no homozygotes.

Submission:

Ambry Genetics
Classification: Uncertain significance for Cardiovascular phenotype. Last evaluated: 2026-03-01. Review status: criteria provided, single submitter. Criteria: Ambry Variant Classification Scheme 2023. Collection method: clinical testing. Allele origin: germline.
Comment: The p.P39A variant (also known as c.115C>G), located in coding exon 1 of the FKRP gene, results from a C to G substitution at nucleotide position 115. The proline at codon 39 is replaced by alanine, an amino acid with highly similar properties. This amino acid position is conserved. In addition, this alteration is predicted to be tolerated by in silico analysis. Based on the available evidence, the clinical significance of this variant remains unclear.

NM_024301.5(FKRP):c.115C>G (p.Pro39Ala)

Gene: FKRP (fukutin related protein; plus strand). Cytogenetic location: 19q13.32.
Variant type: single nucleotide variant.
Coding change: c.115C>G on transcript NM_024301.5 (MANE Select); coding-DNA position 115, C replaced by G.
Protein change: p.Pro39Ala; replaces proline 39 with alanine.
Molecular consequence: missense variant.
Genome position (GRCh38, 1-based): chr19:46,755,565, C>G. VCF-style: chr19-46755565-C-G. GRCh37 (hg19) VCF-style: chr19-47258822-C-G.
Other names: c.115C>G, p.Pro39Ala (NM_001039885.3); short protein forms P39A.
Identifiers: ClinVar variation 4827172 (VCV004827172.1).